The following is an entry in ClinVar:

ClinVar aggregate classification (germline): Likely pathogenic (1 of 4 stars; one submission).

Conditions:
Aarskog syndrome (AAS). Also called: FGD1-Related Faciogenital Dysplasia (Aarskog-Scott Syndrome); FGDY; Aarskog-Scott syndrome, X-linked; Aarskog Scott syndrome; Aarskog disease. Identifiers: Orphanet 915, MedGen C0175701, MONDO:0010589, OMIM 305400.

Submission:

3billion
Classification: Likely pathogenic for Aarskog syndrome. Last evaluated: 2024-08-31. Review status: criteria provided, single submitter. Criteria: ACMG Guidelines, 2015. Collection method: clinical testing. Allele origin: germline. Affected: yes.
Comment: The variant is not observed in the gnomAD v4.0.0 dataset. Predicted Consequence/Location: Frameshift: predicted to result in a loss or disruption of normal protein function through nonsense-mediated decay (NMD) or protein truncation. Multiple pathogenic variants are reported downstream of the variant. Therefore, this variant is classified as Likely pathogenic according to the recommendation of ACMG/AMP guideline.

NM_004463.3(FGD1):c.1733dup (p.Leu578fs)

Gene: FGD1 (FYVE, RhoGEF and PH domain containing 1; minus strand). Cytogenetic location: Xp11.22.
Variant type: Duplication.
Coding change: c.1733dup on transcript NM_004463.3 (MANE Select); coding-DNA position 1733, one base duplicated (T; older notation c.1733dupT).
Protein change: p.Leu578fs; shifts the reading frame from leucine 578.
Molecular consequence: frameshift variant.
Genome position (GRCh38, 1-based): chrX:54,456,329, A duplicated on the plus strand (T on the coding strand, the reverse complement: FGD1 is on the minus strand); the first of 2 consecutive A bases (chrX:54,456,329-54,456,330); duplicating either gives the same sequence. VCF-style (leftmost placement, unchanged base first): chrX-54456328-T-TA. GRCh37 (hg19) VCF-style: chrX-54482761-T-TA.
Other names: short protein forms L578fs.
Identifiers: ClinVar variation 4292368 (VCV004292368.1).
Genomic context (GRCh38, chrX:54,456,328, plus strand): 5'-AAGGATGTGGCCTTCTTTTATGAGCTCTTTGGTGGGGCTGACAATGTCCTCCTCGCCCCC[T>TA]AACAGCTCATATACCTTCAGCAGCTTATGCATTCGCTCCTGGCAAAAGACAGGGAACAAA-3'